The following is an entry in ClinVar:

NM_000094.4(COL7A1):c.3723G>C (p.Gln1241His)

Gene: COL7A1 (collagen type VII alpha 1 chain; minus strand). Cytogenetic location: 3p21.31.
Variant type: single nucleotide variant.
Coding change: c.3723G>C on transcript NM_000094.4 (MANE Select); coding-DNA position 3723, G replaced by C.
Protein change: p.Gln1241His; replaces glutamine 1241 with histidine.
Molecular consequence: missense variant.
Genome position (GRCh38, 1-based): chr3:48,586,074, C>G on the plus strand (G>C on the coding strand, the complement: COL7A1 is on the minus strand). VCF-style: chr3-48586074-C-G. GRCh37 (hg19) VCF-style: chr3-48623507-C-G.
Other names: short protein forms Q1241H.
Identifiers: ClinVar variation 4724710 (VCV004724710.1).

ClinVar aggregate classification (germline): Uncertain significance (1 of 4 stars; one submission).

Submission:

Labcorp Genetics (formerly Invitae), Labcorp
Classification: Uncertain significance. Last evaluated: 2025-12-21. Review status: criteria provided, single submitter. Criteria: Invitae Variant Classification Sherloc (09022015). Collection method: clinical testing. Allele origin: germline.
Comment: This sequence change replaces glutamine, which is neutral and polar, with histidine, which is basic and polar, at codon 1241 of the COL7A1 protein (p.Gln1241His). This variant also falls at the last nucleotide of exon 27, which is part of the consensus splice site for this exon. This variant is not present in population databases (gnomAD no frequency). This variant has not been reported in the literature in individuals affected with COL7A1-related conditions. Experimental studies and prediction algorithms are not available or were not evaluated, and the functional significance of this variant is currently unknown. Variants that disrupt the consensus splice site are a relatively common cause of aberrant splicing (PMID: 17576681, 9536098). Algorithms developed to predict the effect of sequence changes on RNA splicing suggest that this variant may disrupt the consensus splice site. In summary, the available evidence is currently insufficient to determine the role of this variant in disease. Therefore, it has been classified as a Variant of Uncertain Significance.

Literature cited by the submitters: PubMed 17576681; PubMed 9536098.